The following is an entry in ClinVar:

ClinVar aggregate classification (germline): Uncertain significance (1 of 4 stars; one submission).

Conditions:
Cardiovascular phenotype. Identifiers: MedGen CN230736.

Allele frequency attached by ClinVar (database versions not stated): gnomAD exomes below 0.00001; TOPMed below 0.00001.
gnomAD v4.1: 1 of 1,614,200 alleles (0.000062%); highest among the groups gnomAD compares: East Asian, 0.0022%; no homozygotes.

Submission:

Ambry Genetics
Classification: Uncertain significance for Cardiovascular phenotype. Last evaluated: 2026-09-11. Review status: criteria provided, single submitter. Criteria: Ambry Variant Classification Scheme 2023. Collection method: clinical testing. Allele origin: germline.
Comment: The p.I301L variant (also known as c.901A>T), located in coding exon 8 of the DSG2 gene, results from an A to T substitution at nucleotide position 901. The isoleucine at codon 301 is replaced by leucine, an amino acid with highly similar properties. This amino acid position is conserved. In addition, this alteration is predicted to be tolerated by in silico analysis. Based on the available evidence, the clinical significance of this variant remains unclear.

NM_001943.5(DSG2):c.901A>T (p.Ile301Leu)

Gene: DSG2 (desmoglein 2; plus strand). Cytogenetic location: 18q12.1.
Variant type: single nucleotide variant.
Coding change: c.901A>T on transcript NM_001943.5 (MANE Select); coding-DNA position 901, A replaced by T.
Protein change: p.Ile301Leu; replaces isoleucine 301 with leucine.
Molecular consequence: missense variant.
Genome position (GRCh38, 1-based): chr18:31,524,775, A>T. VCF-style: chr18-31524775-A-T. GRCh37 (hg19) VCF-style: chr18-29104738-A-T.
Other names: short protein forms I301L.
Identifiers: ClinVar variation 2296496 (VCV002296496.3), dbSNP rs1304541398, ClinGen allele CA402135625.